The following is an entry in ClinVar:

NM_001082486.2(ACD):c.907G>C (p.Ala303Pro)

Gene: ACD (ACD shelterin complex subunit and telomerase recruitment factor; minus strand). Cytogenetic location: 16q22.1.
Variant type: single nucleotide variant.
Coding change: c.907G>C on transcript NM_001082486.2 (MANE Select); coding-DNA position 907, G replaced by C.
Protein change: p.Ala303Pro; replaces alanine 303 with proline.
Molecular consequence: missense variant.
Genome position (GRCh38, 1-based): chr16:67,658,285, C>G on the plus strand (G>C on the coding strand, the complement: ACD is on the minus strand). VCF-style: chr16-67658285-C-G. GRCh37 (hg19) VCF-style: chr16-67692188-C-G.
Other names: c.820G>C, p.Ala274Pro (NM_001410884.1); c.898G>C, p.Ala300Pro (NM_022914.3); short protein forms A274P, A300P, A303P.
Identifiers: ClinVar variation 3232632 (VCV003232632.1), dbSNP rs2543599502, ClinGen allele CA396352821.

ClinVar aggregate classification (germline): Uncertain significance (1 of 4 stars; one submission).

Conditions:
Inborn genetic diseases. Identifiers: MedGen C0950123, MeSH D030342.

Submission:

Ambry Genetics
Classification: Uncertain significance for Inborn genetic diseases. Last evaluated: 2023-11-21. Review status: criteria provided, single submitter. Criteria: Ambry Variant Classification Scheme 2023. Collection method: clinical testing. Allele origin: germline.
Comment: The p.A389P variant (also known as c.1165G>C), located in coding exon 10 of the ACD gene, results from a G to C substitution at nucleotide position 1165. The alanine at codon 389 is replaced by proline, an amino acid with highly similar properties. This amino acid position is conserved. In addition, this alteration is predicted to be tolerated by in silico analysis. Since supporting evidence is limited at this time, the clinical significance of this alteration remains unclear.